The following is an entry in ClinVar:

NM_000169.3(GLA):c.1125_1128dup (p.Ala377fs)

Genes: GLA (galactosidase alpha; minus strand), RPL36A-HNRNPH2 (RPL36A-HNRNPH2 readthrough; plus strand). Cytogenetic location: Xq22.1.
Variant type: Duplication.
Coding change: c.1125_1128dup on transcript NM_000169.3 (MANE Select); coding-DNA positions 1125 to 1128, 4 bases duplicated (AGTG; older notation c.1125_1128dupAGTG).
Protein change: p.Ala377fs; shifts the reading frame from alanine 377.
Molecular consequence: frameshift variant. On other transcripts: non-coding transcript variant (3), intron variant (2).
Genome position (GRCh38, 1-based): chrX:101,397,971-101,397,974, CACT duplicated on the plus strand (AGTG on the coding strand, the reverse complement: GLA is on the minus strand); duplicating any 4 consecutive bases within chrX:101,397,971-101,397,975 gives the same sequence; the c. name uses the placement nearest the transcript's 3' end. VCF-style (leftmost placement, unchanged base first): chrX-101397970-C-CCACT. GRCh37 (hg19) VCF-style: chrX-100652958-C-CCACT.
Other names: c.1248_1251dup, p.Ala418fs (NM_001406747.1); c.300+2515_300+2518dup (NM_001199973.2); c.177+6150_177+6153dup (NM_001199974.2); c.1125_1128dupAGTG (NM_000169.2); short protein forms A377fs, A418fs.
Identifiers: ClinVar variation 981098 (VCV000981098.1), dbSNP rs1928125824, ClinGen allele CA1139667714.
Genomic context (GRCh38, chrX:101,397,970, plus strand): 5'-AGAACCCTAGCTTCCTTTTCACAGGGAGGAGCTGTGTGATGAAGCAGGCAGGATTACAGG[C>CCACT]CACTCCTTTACCCAGGGAAGCAACTGCGATGGTATAAGAGCGAGGTCCACCAATCTCCTG-3'

ClinVar aggregate classification (germline): Likely pathogenic (1 of 4 stars; one submission).

Conditions:
Fabry disease. Also called: ALPHA-GALACTOSIDASE A DEFICIENCY; ANDERSON-FABRY DISEASE; CERAMIDE TRIHEXOSIDASE DEFICIENCY; GLA DEFICIENCY; HEREDITARY DYSTOPIC LIPIDOSIS; Fabry's disease. Identifiers: Orphanet 324, MedGen C0002986, MONDO:0010526, OMIM 301500, HP:0001071. Disease mechanism: Fabry disease is due to inactivating mutations in the X-linked GLA gene resulting in deficiency of the enzyme Alpha Galactosidase-A., loss of function.

Submission:

Women's Health and Genetics/Laboratory Corporation of America, LabCorp
Classification: Likely pathogenic for Fabry disease. Last evaluated: 2020-09-21. Review status: criteria provided, single submitter. Criteria: LabCorp Variant Classification Summary - May 2015. Collection method: clinical testing. Allele origin: germline.
Comment: Variant summary: GLA c.1125_1128dupAGTG (p.Ala377SerfsX4) results in a premature termination codon, predicted to cause a truncation of the encoded protein or absence of the protein due to nonsense mediated decay, which are commonly known mechanisms for disease. Truncations downstream of this position have been classified as pathogenic by our laboratory. The variant was absent in 183441 control chromosomes (gnomAD). To our knowledge, no occurrence of c.1125_1128dupAGTG in individuals affected with Fabry Disease and no experimental evidence demonstrating its impact on protein function have been reported. No clinical diagnostic laboratories have submitted clinical-significance assessments for this variant to ClinVar after 2014. Based on the evidence outlined above, the variant was classified as likely pathogenic.